The following is an entry in ClinVar:

NM_016169.4(SUFU):c.1373_1374del (p.Leu458fs)

Gene: SUFU (SUFU negative regulator of hedgehog signaling; plus strand). Cytogenetic location: 10q24.32.
Variant type: Deletion.
Coding change: c.1373_1374del on transcript NM_016169.4 (MANE Select); coding-DNA positions 1373 to 1374, 2 bases deleted (TT; older notation c.1373_1374delTT).
Protein change: p.Leu458fs; shifts the reading frame from leucine 458.
Molecular consequence: frameshift variant.
Genome position (GRCh38, 1-based): chr10:102,630,073-102,630,074, TT deleted. VCF-style (leftmost placement, unchanged base first): chr10-102630072-CTT-C. GRCh37 (hg19) VCF-style: chr10-104389829-CTT-C.
Other names: short protein forms L458fs.
Identifiers: ClinVar variation 4880702 (VCV004880702.2).

ClinVar aggregate classification (germline): Likely pathogenic (1 of 4 stars; one submission).

Submission:

Dasa
Classification: Likely pathogenic. Last evaluated: 2025-05-26. Review status: criteria provided, single submitter. Criteria: DASA Assertion Criteria. Collection method: clinical testing. Allele origin: germline.
Comment: NM_016169.4(SUFU):c.1373_1374del (p.Leu458Profs*8) is a frameshift variant in SUFU predicted to alter the reading frame and introduce a premature termination codon and is predicted to result in an absent or altered protein product. Loss of function is an established disease mechanism for SUFU (PMID: 12068298; PMID: 19833601; PMID: 19533801). Also, this variant is absent from population databases. Based on the currently available evidence, this variant is classified as likely pathogenic.

Literature cited by the submitters: PubMed 12068298; PubMed 19833601; PubMed 19533801.